The following is an entry in ClinVar:

ClinVar aggregate classification (germline): Pathogenic/Likely pathogenic. Review status: criteria provided, multiple submitters, no conflicts (2 of 4 stars). 2 submissions from 2 submitters: Pathogenic (1); Likely pathogenic (1). Last evaluated 2022-03-17.

Conditions:
RGS9-related disorder. Also called: RGS9-related condition.

Allele frequency attached by ClinVar (database versions not stated): TOPMed below 0.00001.

Submissions (2):

Labcorp Genetics (formerly Invitae), Labcorp
Classification: Pathogenic. Last evaluated: 2022-03-17. Review status: criteria provided, single submitter. Criteria: Invitae Variant Classification Sherloc (09022015). Collection method: clinical testing. Allele origin: germline.
Comment: For these reasons, this variant has been classified as Pathogenic. ClinVar contains an entry for this variant (Variation ID: 851116). This premature translational stop signal has been observed in individual(s) with clinical features of RGS9-related conditions (Invitae). This variant is not present in population databases (gnomAD no frequency). This sequence change creates a premature translational stop signal (p.Ser243Leufs*9) in the RGS9 gene. It is expected to result in an absent or disrupted protein product. Loss-of-function variants in RGS9 are known to be pathogenic (PMID: 11262419, 14702087).

Blueprint Genetics
Classification: Likely pathogenic for RGS9-related disorders. Last evaluated: 2020-10-08. Review status: criteria provided, single submitter. Criteria: ACMG Guidelines, 2015. Collection method: clinical testing. Allele origin: germline. Affected: yes. Observed: 1 variant allele.

Literature cited by the submitters: PubMed 11262419 (cited by Labcorp Genetics (formerly Invitae), Labcorp); PubMed 14702087 (cited by Labcorp Genetics (formerly Invitae), Labcorp).

NM_003835.4(RGS9):c.727del (p.Ser243fs)

Gene: RGS9 (regulator of G protein signaling 9; plus strand). Cytogenetic location: 17q24.1.
Variant type: Deletion.
Coding change: c.727del on transcript NM_003835.4 (MANE Select); coding-DNA position 727, one base deleted (T; older notation c.727delT).
Protein change: p.Ser243fs; shifts the reading frame from serine 243.
Molecular consequence: frameshift variant.
Genome position (GRCh38, 1-based): chr17:65,190,217, T deleted. VCF-style (leftmost placement, unchanged base first): chr17-65190216-GT-G. GRCh37 (hg19) VCF-style: chr17-63186334-GT-G.
Other names: c.718del, p.Ser240fs (NM_001081955.3, NM_001165933.2); short protein forms S240fs, S243fs.
Identifiers: ClinVar variation 851116 (VCV000851116.10), dbSNP rs1912315295, ClinGen allele CA916083624.